The following is an entry in ClinVar:

NM_001005361.3(DNM2):c.782C>T (p.Ser261Phe)

Gene: DNM2 (dynamin 2; plus strand). Cytogenetic location: 19p13.2.
Variant type: single nucleotide variant.
Coding change: c.782C>T on transcript NM_001005361.3 (MANE Select); coding-DNA position 782, C replaced by T.
Protein change: p.Ser261Phe; replaces serine 261 with phenylalanine.
Molecular consequence: missense variant.
Genome position (GRCh38, 1-based): chr19:10,783,053, C>T. VCF-style: chr19-10783053-C-T. GRCh37 (hg19) VCF-style: chr19-10893729-C-T.
Other names: c.782C>T, p.Ser261Phe (NM_001005360.3, NM_001005362.3, NM_001190716.2 and 1 more transcripts); short protein forms S261F.
Identifiers: ClinVar variation 3364432 (VCV003364432.1).
Genomic context (GRCh38, chr19:10,783,053, plus strand): 5'-ATATTGAGGGCAAGAAGGACATCCGTGCAGCACTGGCAGCTGAGAGGAAGTTCTTCCTCT[C>T]CCACCCGGCCTACCGGCACATGGCCGACCGCATGGGCACGCCACATCTGCAGAAGACGCT-3'
Protein context (NP_001005361.1, residues 251-271): ALAAERKFFL[Ser261Phe]HPAYRHMADR

ClinVar aggregate classification (germline): Uncertain significance (1 of 4 stars; one submission).

gnomAD v4.1: 1 of 1,613,978 alleles (0.000062%); highest among the groups gnomAD compares: Non-Finnish European, 0.000085%; no homozygotes.

Submission:

GeneDx
Classification: Uncertain significance. Last evaluated: 2023-11-20. Review status: criteria provided, single submitter. Criteria: GeneDx Variant Classification Process June 2021. Collection method: clinical testing. Allele origin: germline. Affected: yes.
Comment: Not observed at significant frequency in large population cohorts (gnomAD); Missense variants in this gene are a common cause of disease and they are underrepresented in the general population; In silico analysis supports that this missense variant has a deleterious effect on protein structure/function; Has not been previously published as pathogenic or benign to our knowledge